The following is an entry in ClinVar:

NM_001378183.1(PIEZO2):c.5243G>A (p.Arg1748Lys)

Gene: PIEZO2 (piezo type mechanosensitive ion channel component 2; minus strand). Cytogenetic location: 18p11.22.
Variant type: single nucleotide variant.
Coding change: c.5243G>A on transcript NM_001378183.1 (MANE Select); coding-DNA position 5243, G replaced by A.
Protein change: p.Arg1748Lys; replaces arginine 1748 with lysine.
Molecular consequence: missense variant.
Genome position (GRCh38, 1-based): chr18:10,715,663, C>T on the plus strand (G>A on the coding strand, the complement: PIEZO2 is on the minus strand). VCF-style: chr18-10715663-C-T. GRCh37 (hg19) VCF-style: chr18-10715661-C-T.
Other names: c.5144G>A, p.Arg1715Lys (NM_001410871.1); c.5069G>A, p.Arg1690Lys (NM_022068.4); short protein forms R1690K, R1715K, R1748K.
Identifiers: ClinVar variation 4804514 (VCV004804514.1).

ClinVar aggregate classification (germline): Uncertain significance (1 of 4 stars; one submission).

gnomAD v4.1: 16 of 1,524,624 alleles (0.001%); no homozygotes.

Submission:

Labcorp Genetics (formerly Invitae), Labcorp
Classification: Uncertain significance. Last evaluated: 2025-07-21. Review status: criteria provided, single submitter. Criteria: Invitae Variant Classification Sherloc (09022015). Collection method: clinical testing. Allele origin: germline.
Comment: This sequence change replaces arginine, which is basic and polar, with lysine, which is basic and polar, at codon 1690 of the PIEZO2 protein (p.Arg1690Lys). This variant is not present in population databases (gnomAD no frequency). This variant has not been reported in the literature in individuals affected with PIEZO2-related conditions. Invitae Evidence Modeling of protein sequence and biophysical properties (such as structural, functional, and spatial information, amino acid conservation, physicochemical variation, residue mobility, and thermodynamic stability) indicates that this missense variant is not expected to disrupt PIEZO2 protein function with a negative predictive value of 80%. In summary, the available evidence is currently insufficient to determine the role of this variant in disease. Therefore, it has been classified as a Variant of Uncertain Significance.